The following is an entry in ClinVar:

ClinVar aggregate classification (germline): Likely pathogenic (1 of 4 stars; one submission).

gnomAD v4.1: 1 of 1,611,312 alleles (0.000062%); no homozygotes.

Submission:

Labcorp Genetics (formerly Invitae), Labcorp
Classification: Likely pathogenic. Last evaluated: 2023-09-14. Review status: criteria provided, single submitter. Criteria: Invitae Variant Classification Sherloc (09022015). Collection method: clinical testing. Allele origin: germline.
Comment: This variant has not been reported in the literature in individuals affected with ADGRV1-related conditions. This variant is not present in population databases (gnomAD no frequency). This sequence change affects a donor splice site in intron 56 of the ADGRV1 gene. It is expected to disrupt RNA splicing. Variants that disrupt the donor or acceptor splice site typically lead to a loss of protein function (PMID: 16199547), and loss-of-function variants in ADGRV1 are known to be pathogenic (PMID: 19357117, 22135276, 22147658, 26226137, 30718709, 31047384, 32467589). ClinVar contains an entry for this variant (Variation ID: 1066991). Algorithms developed to predict the effect of sequence changes on RNA splicing suggest that this variant may disrupt the consensus splice site. In summary, the currently available evidence indicates that the variant is pathogenic, but additional data are needed to prove that conclusively. Therefore, this variant has been classified as Likely Pathogenic.

Literature cited by the submitters: PubMed 16199547; PubMed 19357117; PubMed 22135276; PubMed 22147658; PubMed 26226137; PubMed 30718709; PubMed 31047384; PubMed 32467589.

NM_032119.4(ADGRV1):c.11757+2T>A

Gene: ADGRV1 (adhesion G protein-coupled receptor V1; plus strand). Cytogenetic location: 5q14.3.
Variant type: single nucleotide variant.
Coding change: c.11757+2T>A on transcript NM_032119.4 (MANE Select); the canonical splice donor site of the intron after coding-DNA position 11757, T replaced by A.
Molecular consequence: splice donor variant.
Genome position (GRCh38, 1-based): chr5:90,756,632, T>A. VCF-style: chr5-90756632-T-A. GRCh37 (hg19) VCF-style: chr5-90052449-T-A.
Identifiers: ClinVar variation 1066991 (VCV001066991.7), dbSNP rs1755861358, ClinGen allele CA360370453.